The following is an entry in ClinVar:

NM_001384125.1(BLTP1):c.3674G>A (p.Arg1225Gln)

Gene: BLTP1 (bridge-like lipid transfer protein family member 1; plus strand). Cytogenetic location: 4q27.
Variant type: single nucleotide variant.
Coding change: c.3674G>A on transcript NM_001384125.1 (MANE Select); coding-DNA position 3674, G replaced by A.
Protein change: p.Arg1225Gln; replaces arginine 1225 with glutamine.
Molecular consequence: missense variant.
Genome position (GRCh38, 1-based): chr4:122,238,191, G>A. VCF-style: chr4-122238191-G-A. GRCh37 (hg19) VCF-style: chr4-123159346-G-A.
Other names: c.3674G>A, p.Arg1225Gln (NM_015312.4); short protein forms R1225Q.
Identifiers: ClinVar variation 2692501 (VCV002692501.1), dbSNP rs781515217, ClinGen allele CA3066216.

ClinVar aggregate classification (germline): Uncertain significance (1 of 4 stars; one submission).

Allele frequency attached by ClinVar (database versions not stated): TOPMed below 0.00001.
gnomAD v4.1: 6 of 1,613,946 alleles (0.00037%); highest among the groups gnomAD compares: Admixed American, 0.0017%; no homozygotes.

Submission:

Greenwood Genetic Center Diagnostic Laboratories, Greenwood Genetic Center
Classification: Uncertain significance. Last evaluated: 2023-12-13. Review status: criteria provided, single submitter. Criteria: ACMG Guidelines, 2015. Collection method: clinical testing. Allele origin: germline. Affected: yes.
Comment: PM2, PM3_Supporting, BP4, PP2